The following is an entry in ClinVar:

ClinVar aggregate classification (germline): Uncertain significance (1 of 4 stars; one submission).

Submission:

Dasa
Classification: Uncertain significance. Last evaluated: 2025-05-30. Review status: criteria provided, single submitter. Criteria: DASA Assertion Criteria. Collection method: clinical testing. Allele origin: germline.
Comment: NM_022114.4(PRDM16):c.1658A>T (p.Asn553Ile) is a missense variant that results in the substitution of asparagine with isoleucine. This variant is absent from population databases. Computational prediction algorithms are consistent with a benign effect. The currently available literature and clinical evidence are not sufficient to establish a definitive association between this variant and the reported condition. Therefore, this variant is classified as a variant of uncertain significance.

NM_022114.4(PRDM16):c.1658A>T (p.Asn553Ile)

Gene: PRDM16 (PR/SET domain 16; plus strand). Cytogenetic location: 1p36.32.
Variant type: single nucleotide variant.
Coding change: c.1658A>T on transcript NM_022114.4 (MANE Select); coding-DNA position 1658, A replaced by T.
Protein change: p.Asn553Ile; replaces asparagine 553 with isoleucine.
Molecular consequence: missense variant.
Genome position (GRCh38, 1-based): chr1:3,411,855, A>T. VCF-style: chr1-3411855-A-T. GRCh37 (hg19) VCF-style: chr1-3328419-A-T.
Other names: c.1658A>T, p.Asn553Ile (NM_199454.3); short protein forms N553I.
Identifiers: ClinVar variation 5020945 (VCV005020945.1).
Genomic context (GRCh38, chr1:3,411,855, plus strand): 5'-CGCTGCTCAAGAGCCCCCTGAACCACACCCAGGACGCCAAGCTCCCCAGTCCCCTGGGGA[A>T]CCCAGCCCTGCCCCTGGTCTCCGCCGTCAGCAACAGCAGCCAGGGCACGACGGCAGCTGC-3'
Protein context (NP_071397.3, residues 543-563): QDAKLPSPLG[Asn553Ile]PALPLVSAVS